The following is an entry in ClinVar:

NM_022173.4(TIA1):c.27-3C>T

Gene: TIA1 (TIA1 cytotoxic granule associated RNA binding protein; minus strand). Cytogenetic location: 2p13.3.
Variant type: single nucleotide variant.
Coding change: c.27-3C>T on transcript NM_022173.4 (MANE Select); 3 bases into the intron before coding-DNA position 27, C replaced by T.
Molecular consequence: intron variant.
Genome position (GRCh38, 1-based): chr2:70,236,178, G>A on the plus strand (C>T on the coding strand, the complement: TIA1 is on the minus strand). VCF-style: chr2-70236178-G-A. GRCh37 (hg19) VCF-style: chr2-70463310-G-A.
Other names: c.-85-3C>T (NM_001351513.1, NM_001351511.1, NM_001351512.1); c.-72-5324C>T (NM_001351514.2, NM_001351523.2); c.-389-3C>T (NM_001351524.2); c.-612-3C>T (NM_001351517.2); c.27-3C>T (NM_001351510.2, NM_022037.4, NM_001351508.2 and 7 more transcripts); c.-427-3C>T (NM_001351525.2); c.-363-3C>T (NM_001351515.2).
Identifiers: ClinVar variation 2663298 (VCV002663298.1), dbSNP rs2467329252, ClinGen allele CA2695200827.

ClinVar aggregate classification (germline): Uncertain significance (1 of 4 stars; one submission).

Submission:

GeneDx
Classification: Uncertain significance. Last evaluated: 2023-10-27. Review status: criteria provided, single submitter. Criteria: GeneDx Variant Classification Process June 2021. Collection method: clinical testing. Allele origin: germline. Affected: yes.
Comment: Not observed at significant frequency in large population cohorts (gnomAD); In silico analysis supports that this variant does not alter splicing; Has not been previously published as pathogenic or benign to our knowledge